The following is an entry in ClinVar:

ClinVar aggregate classification (germline): Conflicting classifications of pathogenicity. Review status: criteria provided, conflicting classifications (1 of 4 stars). 4 submissions from 4 submitters: Uncertain significance (3); Likely benign (1). Last evaluated 2025-12-21.

Conditions:
Oto-palato-digital syndrome, type II (OPD2). Also called: FACIOPALATOOSSEOUS SYNDROME; Otopalatodigital Syndrome, Type II; Otopalatodigital Syndrome Type 2 (FLNA-OPD2); OPD II SYNDROME. Identifiers: Orphanet 669, Orphanet 90652, MedGen C1844696, MONDO:0010571, OMIM 304120.
Frontometaphyseal dysplasia (FMD1). Identifiers: Orphanet 1826, MedGen C0265293, MONDO:0015942.
Heterotopia, periventricular, X-linked dominant (PVNH1). Also called: PERIVENTRICULAR NODULAR HETEROTOPIA 4; HETEROTOPIA, PERIVENTRICULAR, 1; PERIVENTRICULAR NODULAR HETEROTOPIA 1; X-linked periventricular heterotopia. Identifiers: Orphanet 2149, Orphanet 82004, MedGen C1848213, MONDO:0010233, OMIM 300049.
Melnick-Needles syndrome (MNS). Also called: Melnick-Needles Syndrome (FLNA-MNS); MELNICK-NEEDLES OSTEODYSPLASTY; OSTEODYSPLASTY OF MELNICK AND NEEDLES. Identifiers: Orphanet 2484, MedGen C0025237, MONDO:0010650, OMIM 309350.

Allele frequency attached by ClinVar (database versions not stated): gnomAD 0.00005; TOPMed 0.00005; ESP Exome Variant Server 0.00010.
gnomAD v4.1: 9 of 1,210,369 alleles (0.00074%); highest among the groups gnomAD compares: African/African-American, 0.007%; no homozygotes.

Submissions (4):

Labcorp Genetics (formerly Invitae), Labcorp
Classification: Uncertain significance for Oto-palato-digital syndrome, type II; Heterotopia, periventricular, X-linked dominant; Frontometaphyseal dysplasia; Melnick-Needles syndrome. Last evaluated: 2025-12-21. Review status: criteria provided, single submitter. Criteria: Invitae Variant Classification Sherloc (09022015). Collection method: clinical testing. Allele origin: germline.
Comment: This sequence change falls in intron 36 of the FLNA gene. It does not directly change the encoded amino acid sequence of the FLNA protein. It affects a nucleotide within the consensus splice site. This variant is present in population databases (rs368037797, gnomAD 0.01%). This variant has not been reported in the literature in individuals affected with FLNA-related conditions. ClinVar contains an entry for this variant (Variation ID: 2072555). Variants that disrupt the consensus splice site are a relatively common cause of aberrant splicing (PMID: 17576681, 9536098). Algorithms developed to predict the effect of sequence changes on RNA splicing suggest that this variant is not likely to affect RNA splicing. In summary, the available evidence is currently insufficient to determine the role of this variant in disease. Therefore, it has been classified as a Variant of Uncertain Significance.

Mayo Clinic Laboratories, Mayo Clinic
Classification: Uncertain significance. Last evaluated: 2025-10-24. Review status: criteria provided, single submitter. Criteria: ACMG Guidelines, 2015. Collection method: clinical testing. Allele origin: germline. Observed: 1 variant allele.

GeneDx
Classification: Uncertain significance. Last evaluated: 2025-09-25. Review status: criteria provided, single submitter. Criteria: GeneDx Variant Classification Process June 2021. Collection method: clinical testing. Allele origin: germline. Affected: yes.
Comment: Has not been previously published as pathogenic or benign to our knowledge; In silico analysis is inconclusive as to whether the variant alters gene splicing. In the absence of RNA/functional studies, the actual effect of this sequence change is unknown.

Blueprint Genetics
Classification: Likely benign. Last evaluated: 2023-12-04. Review status: criteria provided, single submitter. Criteria: ACMG Guidelines, 2015. Collection method: clinical testing. Allele origin: germline.

Literature cited by the submitters: PubMed 17576681 (cited by Labcorp Genetics (formerly Invitae), Labcorp); PubMed 9536098 (cited by Labcorp Genetics (formerly Invitae), Labcorp).

NM_001110556.2(FLNA):c.6022+6C>T

Gene: FLNA (filamin A; minus strand). Cytogenetic location: Xq28.
Variant type: single nucleotide variant.
Coding change: c.6022+6C>T on transcript NM_001110556.2 (MANE Select); 6 bases into the intron after coding-DNA position 6022, C replaced by T.
Molecular consequence: intron variant.
Genome position (GRCh38, 1-based): chrX:154,353,290, G>A on the plus strand (C>T on the coding strand, the complement: FLNA is on the minus strand). VCF-style: chrX-154353290-G-A. GRCh37 (hg19) VCF-style: chrX-153581658-G-A.
Other names: p.?; c.5998+6C>T (NM_001456.3, NM_001456.4).
Identifiers: ClinVar variation 2072555 (VCV002072555.7), dbSNP rs368037797, ClinGen allele CA337275365.